The following is an entry in ClinVar:

ClinVar aggregate classification (germline): Likely benign (1 of 4 stars; one submission).

Submission:

CeGaT Center for Human Genetics Tuebingen
Classification: Likely benign. Last evaluated: 2024-12-01. Review status: criteria provided, single submitter. Criteria: CeGaT Center For Human Genetics Tuebingen Variant Classification Criteria Version 2. Collection method: clinical testing. Allele origin: germline. Affected: yes. Observed: 2 variant alleles.
Comment: LPAR6: PM2:Supporting, BP4, BP7

NM_001162498.3(LPAR6):c.456T>G (p.Val152=)

Genes: LPAR6 (lysophosphatidic acid receptor 6; minus strand), RB1 (RB transcriptional corepressor 1; plus strand). Cytogenetic location: 13q14.2.
Variant type: single nucleotide variant.
Coding change: c.456T>G on transcript NM_001162498.3 (MANE Select); coding-DNA position 456, T replaced by G.
Protein change: p.Val152=; no amino-acid change (valine 152 retained).
Molecular consequence: synonymous variant. On other transcripts: intron variant (2).
Genome position (GRCh38, 1-based): chr13:48,411,968, A>C on the plus strand (T>G on the coding strand, the complement: LPAR6 is on the minus strand). VCF-style: chr13-48411968-A-C. GRCh37 (hg19) VCF-style: chr13-48986104-A-C.
Other names: c.456T>G, p.Val152= (NM_001162497.3, NM_001377316.2, NM_001377317.2 and 1 more transcripts); c.1695+30525A>C (NM_001407165.1, NM_000321.3).
Identifiers: ClinVar variation 1879257 (VCV001879257.29), dbSNP rs2542258944, ClinGen allele CA483740410.